The following is an entry in ClinVar:

ClinVar aggregate classification (germline): Uncertain significance (1 of 4 stars; one submission).

gnomAD v4.1: 1 of 1,613,820 alleles (0.000062%); highest among the groups gnomAD compares: Non-Finnish European, 0.000085%; no homozygotes.

Submission:

Labcorp Genetics (formerly Invitae), Labcorp
Classification: Uncertain significance. Last evaluated: 2025-12-15. Review status: criteria provided, single submitter. Criteria: Invitae Variant Classification Sherloc (09022015). Collection method: clinical testing. Allele origin: germline.
Comment: This sequence change replaces glycine, which is neutral and non-polar, with valine, which is neutral and non-polar, at codon 1083 of the DCHS1 protein (p.Gly1083Val). This variant is present in population databases (rs753785133, gnomAD 0.0009%). This variant has not been reported in the literature in individuals affected with DCHS1-related conditions. Invitae Evidence Modeling of protein sequence and biophysical properties (such as structural, functional, and spatial information, amino acid conservation, physicochemical variation, residue mobility, and thermodynamic stability) indicates that this missense variant is not expected to disrupt DCHS1 protein function with a negative predictive value of 80%. In summary, the available evidence is currently insufficient to determine the role of this variant in disease. Therefore, it has been classified as a Variant of Uncertain Significance.

NM_003737.4(DCHS1):c.3248G>T (p.Gly1083Val)

Gene: DCHS1 (dachsous cadherin-related 1; minus strand). Cytogenetic location: 11p15.4.
Variant type: single nucleotide variant.
Coding change: c.3248G>T on transcript NM_003737.4 (MANE Select); coding-DNA position 3248, G replaced by T.
Protein change: p.Gly1083Val; replaces glycine 1083 with valine.
Molecular consequence: missense variant.
Genome position (GRCh38, 1-based): chr11:6,632,264, C>A on the plus strand (G>T on the coding strand, the complement: DCHS1 is on the minus strand). VCF-style: chr11-6632264-C-A. GRCh37 (hg19) VCF-style: chr11-6653495-C-A.
Other names: short protein forms G1083V.
Identifiers: ClinVar variation 4737876 (VCV004737876.1).